The following is an entry in ClinVar:

NM_001939.3(DRP2):c.2376G>A (p.Leu792=)

Gene: DRP2 (dystrophin related protein 2; plus strand). Cytogenetic location: Xq22.1.
Variant type: single nucleotide variant.
Coding change: c.2376G>A on transcript NM_001939.3 (MANE Select); coding-DNA position 2376, G replaced by A.
Protein change: p.Leu792=; no amino-acid change (leucine 792 retained).
Molecular consequence: synonymous variant.
Genome position (GRCh38, 1-based): chrX:101,256,247, G>A. VCF-style: chrX-101256247-G-A. GRCh37 (hg19) VCF-style: chrX-100511236-G-A.
Other names: c.2142G>A, p.Leu714= (NM_001171184.2).
Identifiers: ClinVar variation 723478 (VCV000723478.11), dbSNP rs143113683, ClinGen allele CA10472463.

ClinVar aggregate classification (germline): Benign/Likely benign. Review status: criteria provided, multiple submitters, no conflicts (2 of 4 stars). 3 submissions from 3 submitters: Benign (2); Likely benign (1). Last evaluated 2026-05-12.

Conditions:
DRP2-related disorder. Also called: DRP2-related condition.

Allele frequency attached by ClinVar (database versions not stated): gnomAD 0.00113 and 0.00149; TOPMed 0.00116; ESP Exome Variant Server 0.00161; gnomAD exomes 0.00204 and 0.00210; ExAC 0.00243; 1000 Genomes Project 30x 0.00520; 1000 Genomes Project 0.00556.
gnomAD v4.1: 2,396 of 1,192,906 alleles (0.2%); highest among the groups gnomAD compares: South Asian, 1.5%; 5 homozygotes.

Submissions (3):

PreventionGenetics, part of Exact Sciences
Classification: Likely benign for DRP2-related condition. Last evaluated: 2026-05-12. Review status: criteria provided, single submitter. Criteria: ACMG Guidelines, 2015. Collection method: clinical testing. Allele origin: germline.
Comment: This variant is classified as likely benign based on ACMG/AMP sequence variant interpretation guidelines (Richards et al. 2015 PMID: 25741868, with internal and published modifications).

Labcorp Genetics (formerly Invitae), Labcorp
Classification: Benign. Last evaluated: 2026-01-20. Review status: criteria provided, single submitter. Criteria: Invitae Variant Classification Sherloc (09022015). Collection method: clinical testing. Allele origin: germline.

Breakthrough Genomics
Classification: Benign. Review status: criteria provided, single submitter. Criteria: ACMG Guidelines, 2015. Collection method: not provided. Allele origin: germline. Inheritance: Unknown mechanism. Affected: yes.